The following is an entry in ClinVar:

ClinVar aggregate classification (germline): Uncertain significance (1 of 4 stars; one submission).

Submission:

Labcorp Genetics (formerly Invitae), Labcorp
Classification: Uncertain significance. Last evaluated: 2024-02-24. Review status: criteria provided, single submitter. Criteria: Invitae Variant Classification Sherloc (09022015). Collection method: clinical testing. Allele origin: germline.
Comment: This sequence change replaces glycine, which is neutral and non-polar, with arginine, which is basic and polar, at codon 89 of the THBD protein (p.Gly89Arg). This variant is not present in population databases (gnomAD no frequency). This variant has not been reported in the literature in individuals affected with THBD-related conditions. Advanced modeling of protein sequence and biophysical properties (such as structural, functional, and spatial information, amino acid conservation, physicochemical variation, residue mobility, and thermodynamic stability) performed at Invitae indicates that this missense variant is expected to disrupt THBD protein function with a positive predictive value of 80%. In summary, the available evidence is currently insufficient to determine the role of this variant in disease. Therefore, it has been classified as a Variant of Uncertain Significance.

NM_000361.3(THBD):c.265G>C (p.Gly89Arg)

Gene: THBD (thrombomodulin; minus strand). Cytogenetic location: 20p11.21.
Variant type: single nucleotide variant.
Coding change: c.265G>C on transcript NM_000361.3 (MANE Select); coding-DNA position 265, G replaced by C.
Protein change: p.Gly89Arg; replaces glycine 89 with arginine.
Molecular consequence: missense variant.
Genome position (GRCh38, 1-based): chr20:23,049,240, C>G on the plus strand (G>C on the coding strand, the complement: THBD is on the minus strand). VCF-style: chr20-23049240-C-G. GRCh37 (hg19) VCF-style: chr20-23029877-C-G.
Other names: short protein forms G89R.
Identifiers: ClinVar variation 3614076 (VCV003614076.2).